The following is an entry in ClinVar:

NM_015046.7(SETX):c.5211T>G (p.Phe1737Leu)

Gene: SETX (senataxin; minus strand). Cytogenetic location: 9q34.13.
Variant type: single nucleotide variant.
Coding change: c.5211T>G on transcript NM_015046.7 (MANE Select); coding-DNA position 5211, T replaced by G.
Protein change: p.Phe1737Leu; replaces phenylalanine 1737 with leucine.
Molecular consequence: missense variant.
Genome position (GRCh38, 1-based): chr9:132,326,387, A>C on the plus strand (T>G on the coding strand, the complement: SETX is on the minus strand). VCF-style: chr9-132326387-A-C. GRCh37 (hg19) VCF-style: chr9-135201774-A-C.
Other names: c.5211T>G, p.Phe1737Leu (NM_001351527.2, NM_001351528.2); short protein forms F1737L.
Identifiers: ClinVar variation 846644 (VCV000846644.10), dbSNP rs1846757741, ClinGen allele CA375321655.

ClinVar aggregate classification (germline): Uncertain significance (1 of 4 stars; one submission).

Conditions:
Amyotrophic lateral sclerosis type 4 (ALS4). Also called: AMYOTROPHIC LATERAL SCLEROSIS 4, JUVENILE; NEURONOPATHY, DISTAL HEREDITARY MOTOR, WITH PYRAMIDAL FEATURES. Identifiers: Orphanet 357043, MedGen C1865409, MONDO:0011223, OMIM 602433.
Spinocerebellar ataxia, autosomal recessive, with axonal neuropathy 2 (SCAN2). Also called: Ataxia with Oculomotor Apraxia; Ataxia-ocular apraxia-2; ATAXIA-OCULOMOTOR APRAXIA 2; Ataxia with Oculomotor Apraxia Type 2. Identifiers: Orphanet 64753, MedGen C1853761, MONDO:0018996, OMIM 606002.

Submission:

Labcorp Genetics (formerly Invitae), Labcorp
Classification: Uncertain significance for Amyotrophic lateral sclerosis type 4; Spinocerebellar ataxia, autosomal recessive, with axonal neuropathy 2. Last evaluated: 2019-03-07. Review status: criteria provided, single submitter. Criteria: Invitae Variant Classification Sherloc (09022015). Collection method: clinical testing. Allele origin: germline.
Comment: In summary, the available evidence is currently insufficient to determine the role of this variant in disease. Therefore, it has been classified as a Variant of Uncertain Significance. Algorithms developed to predict the effect of missense changes on protein structure and function are either unavailable or do not agree on the potential impact of this missense change (SIFT: "Deleterious"; PolyPhen-2: "Probably Damaging"; Align-GVGD: "Class C0"). This variant has not been reported in the literature in individuals with SETX-related conditions. This variant is not present in population databases (ExAC no frequency). This sequence change replaces phenylalanine with leucine at codon 1737 of the SETX protein (p.Phe1737Leu). The phenylalanine residue is highly conserved and there is a small physicochemical difference between phenylalanine and leucine.